The following is an entry in ClinVar:

NM_000051.4(ATM):c.757G>T (p.Glu253Ter)

Gene: ATM (ATM serine/threonine kinase; plus strand). Cytogenetic location: 11q22.3.
Variant type: single nucleotide variant.
Coding change: c.757G>T on transcript NM_000051.4 (MANE Select); coding-DNA position 757, G replaced by T.
Protein change: p.Glu253Ter; replaces glutamic acid 253 with a stop codon.
Molecular consequence: nonsense.
Genome position (GRCh38, 1-based): chr11:108,244,882, G>T. VCF-style: chr11-108244882-G-T. GRCh37 (hg19) VCF-style: chr11-108115609-G-T.
Other names: c.757G>T, p.Glu253Ter (NM_001351834.2); short protein forms E253*.
Identifiers: ClinVar variation 2054460 (VCV002054460.4), dbSNP rs2135239944, ClinGen allele CA382529284.

ClinVar aggregate classification (germline): Pathogenic (1 of 4 stars; one submission).

Conditions:
Ataxia-telangiectasia syndrome (AT). Also called: ATAXIA-TELANGIECTASIA, COMPLEMENTATION GROUP A; ATAXIA-TELANGIECTASIA, FRESNO VARIANT; Ataxia-telangiectasia; Ataxia telangiectasia (A-T); Ataxia-telangiectasia, complementation group E; Cerebello-oculocutaneous telangiectasia. Identifiers: Orphanet 100, MedGen C0004135, MONDO:0008840, OMIM 208900.

Submission:

Labcorp Genetics (formerly Invitae), Labcorp
Classification: Pathogenic for Ataxia-telangiectasia syndrome. Last evaluated: 2024-04-04. Review status: criteria provided, single submitter. Criteria: Invitae Variant Classification Sherloc (09022015). Collection method: clinical testing. Allele origin: germline.
Comment: This sequence change creates a premature translational stop signal (p.Glu253*) in the ATM gene. It is expected to result in an absent or disrupted protein product. Loss-of-function variants in ATM are known to be pathogenic (PMID: 23807571, 25614872). This variant is not present in population databases (gnomAD no frequency). This variant has not been reported in the literature in individuals affected with ATM-related conditions. ClinVar contains an entry for this variant (Variation ID: 2054460). For these reasons, this variant has been classified as Pathogenic.

Literature cited by the submitters: PubMed 23807571; PubMed 25614872.